The following is an entry in ClinVar:

ClinVar aggregate classification (germline): Uncertain significance. Review status: criteria provided, multiple submitters, no conflicts (2 of 4 stars). 2 submissions from 2 submitters: Uncertain significance (2). Last evaluated 2025-08-21.

Conditions:
TUB-related disorder. Also called: TUB-related condition.

gnomAD v4.1: 1 of 1,614,024 alleles (0.000062%); highest among the groups gnomAD compares: African/African-American, 0.0013%; no homozygotes.

Submissions (2):

PreventionGenetics, part of Exact Sciences
Classification: Uncertain significance for TUB-related condition. Last evaluated: 2025-08-21. Review status: criteria provided, single submitter. Criteria: ACMG Guidelines, 2015. Collection method: clinical testing. Allele origin: germline.
Comment: The TUB c.943C>G variant is predicted to result in the amino acid substitution p.Pro315Ala. To our knowledge, this variant has not been reported in the literature or in a large population database (gnomAD), indicating this variant is rare. At this time, the clinical significance of this variant is uncertain due to the absence of conclusive functional and genetic evidence.

Labcorp Genetics (formerly Invitae), Labcorp
Classification: Uncertain significance. Last evaluated: 2022-06-13. Review status: criteria provided, single submitter. Criteria: Invitae Variant Classification Sherloc (09022015). Collection method: clinical testing. Allele origin: germline.
Comment: In summary, the available evidence is currently insufficient to determine the role of this variant in disease. Therefore, it has been classified as a Variant of Uncertain Significance. Algorithms developed to predict the effect of missense changes on protein structure and function are either unavailable or do not agree on the potential impact of this missense change (SIFT: "Tolerated"; PolyPhen-2: "Probably Damaging"; Align-GVGD: "Class C0"). This variant has not been reported in the literature in individuals affected with TUB-related conditions. This variant is not present in population databases (gnomAD no frequency). This sequence change replaces proline, which is neutral and non-polar, with alanine, which is neutral and non-polar, at codon 315 of the TUB protein (p.Pro315Ala).

NM_177972.3(TUB):c.778C>G (p.Pro260Ala)

Genes: RIC3 (RIC3 acetylcholine receptor chaperone; minus strand), TUB (TUB bipartite transcription factor; plus strand). Cytogenetic location: 11p15.4.
Variant type: single nucleotide variant.
Coding change: c.778C>G on transcript NM_177972.3 (MANE Select); coding-DNA position 778, C replaced by G.
Protein change: p.Pro260Ala; replaces proline 260 with alanine.
Molecular consequence: missense variant.
Genome position (GRCh38, 1-based): chr11:8,097,318, C>G. VCF-style: chr11-8097318-C-G. GRCh37 (hg19) VCF-style: chr11-8118865-C-G.
Other names: c.943C>G, p.Pro315Ala (NM_003320.5); c.943C>G (NM_003320.4); short protein forms P260A, P315A.
Identifiers: ClinVar variation 1468577 (VCV001468577.7), dbSNP rs768688995, ClinGen allele CA379568833.